The following is an entry in ClinVar:

ClinVar aggregate classification (germline): Likely benign. Review status: criteria provided, multiple submitters, no conflicts (2 of 4 stars). 3 submissions from 3 submitters: Likely benign (3). Last evaluated 2025-03-01.

Allele frequency attached by ClinVar (database versions not stated): ESP Exome Variant Server 0.00008; gnomAD 0.00012 and 0.00015; gnomAD exomes 0.00012 and 0.00016; TOPMed 0.00017; 1000 Genomes Project 30x 0.00031; 1000 Genomes Project 0.00040.
gnomAD v4.1: 200 of 1,613,778 alleles (0.012%); highest among the groups gnomAD compares: Middle Eastern, 0.084%; 2 homozygotes.

Submissions (3):

CeGaT Center for Human Genetics Tuebingen
Classification: Likely benign. Last evaluated: 2025-03-01. Review status: criteria provided, single submitter. Criteria: CeGaT Center For Human Genetics Tuebingen Variant Classification Criteria Version 2. Collection method: clinical testing. Allele origin: germline. Affected: yes. Observed: 1 variant allele.
Comment: RUBCN: BP4, BP7

Blueprint Genetics
Classification: Likely benign. Last evaluated: 2024-10-04. Review status: criteria provided, single submitter. Criteria: ACMG Guidelines, 2015. Collection method: clinical testing. Allele origin: germline.

Labcorp Genetics (formerly Invitae), Labcorp
Classification: Likely benign. Last evaluated: 2018-06-06. Review status: criteria provided, single submitter. Criteria: Invitae Variant Classification Sherloc (09022015). Collection method: clinical testing. Allele origin: germline.

NM_014687.4(RUBCN):c.1959G>A (p.Pro653=)

Gene: RUBCN (rubicon autophagy regulator; minus strand). Cytogenetic location: 3q29.
Variant type: single nucleotide variant.
Coding change: c.1959G>A on transcript NM_014687.4 (MANE Select); coding-DNA position 1959, G replaced by A.
Protein change: p.Pro653=; no amino-acid change (proline 653 retained).
Molecular consequence: synonymous variant.
Genome position (GRCh38, 1-based): chr3:197,683,328, C>T on the plus strand (G>A on the coding strand, the complement: RUBCN is on the minus strand). VCF-style: chr3-197683328-C-T. GRCh37 (hg19) VCF-style: chr3-197410199-C-T.
Other names: c.1824G>A, p.Pro608= (NM_001145642.5); c.2076G>A, p.Pro692= (NM_001346873.2).
Identifiers: ClinVar variation 748633 (VCV000748633.11), dbSNP rs367708706, ClinGen allele CA2786741.